The following is an entry in ClinVar:

ClinVar aggregate classification (germline): Uncertain significance (1 of 4 stars; one submission).

Submission:

Labcorp Genetics (formerly Invitae), Labcorp
Classification: Uncertain significance. Last evaluated: 2023-08-04. Review status: criteria provided, single submitter. Criteria: Invitae Variant Classification Sherloc (09022015). Collection method: clinical testing. Allele origin: germline.
Comment: This sequence change falls in intron 10 of the CFB gene. It does not directly change the encoded amino acid sequence of the CFB protein. This variant is not present in population databases (gnomAD no frequency). This variant has not been reported in the literature in individuals affected with CFB-related conditions. Algorithms developed to predict the effect of sequence changes on RNA splicing suggest that this variant may disrupt the consensus splice site. In summary, the available evidence is currently insufficient to determine the role of this variant in disease. Therefore, it has been classified as a Variant of Uncertain Significance.

NM_001710.6(CFB):c.1409-10_1409-8del

Gene: CFB (complement factor B; plus strand). Cytogenetic location: 6p21.33.
Variant type: Deletion.
Coding change: c.1409-10_1409-8del on transcript NM_001710.6 (MANE Select); 10 bases into the intron before coding-DNA position 1409 through 8 bases into the intron before coding-DNA position 1409, 3 bases deleted (TCT; older notation c.1409-10_1409-8delTCT).
Molecular consequence: intron variant.
Genome position (GRCh38, 1-based): chr6:31,950,040-31,950,042, TCT deleted; deleting any 3 consecutive bases within chr6:31,950,038-31,950,042 gives the same sequence; the c. name uses the placement nearest the transcript's 3' end. VCF-style (leftmost placement, unchanged base first): chr6-31950037-CCTT-C. GRCh37 (hg19) VCF-style: chr6-31917814-CCTT-C.
Identifiers: ClinVar variation 2875042 (VCV002875042.3), dbSNP rs1771651382, ClinGen allele CA1087492440.